The following is an entry in ClinVar:

ClinVar aggregate classification (germline): Pathogenic (1 of 4 stars; one submission).

Submission:

ISCA site 17
Classification: Pathogenic. Last evaluated: 2011-08-12. Review status: criteria provided, single submitter. Criteria: Kaminsky et al. (Genet Med. 2011). Collection method: clinical testing. Allele origin: unknown. Affected: yes. Observed: 1 variant allele.
Comment: Copy number variation identified through the course of routine clinical cytogenomic testing in postnatal populations. Clinical assertions have been curated as described in Kaminsky et al. 2011.

GRCh38/hg38 15q13.3(chr15:31738809-32217725)x1

Genes: CHRNA7 (cholinergic receptor nicotinic alpha 7 subunit), OTUD7A (OTU deubiquitinase 7A; minus strand), LOC125078053 (Sharpr-MPRA regulatory region 11410; plus strand), LOC129390681 (MPRA-validated peak2289 silencer), LOC130056727 (ATAC-STARR-seq lymphoblastoid silent region 6268; plus strand). Cytogenetic location: 15q13.3.
Variant type: copy number loss.
Change: copy number 1 (one copy instead of two) of chr15:31,738,809-32,217,725 (478.9 kb, GRCh38 coordinates, 1-based), cytogenetic band 15q13.3.
Identifiers: ClinVar variation 160946 (VCV000160946.1).